The following is an entry in ClinVar:

ClinVar aggregate classification (germline): Uncertain significance (1 of 4 stars; one submission).

Submission:

Dasa
Classification: Uncertain significance. Last evaluated: 2024-12-09. Review status: criteria provided, single submitter. Criteria: DASA Assertion Criteria. Collection method: clinical testing. Allele origin: germline.
Comment: NM_005529.7(HSPG2):c.196G>A (p.Gly66Arg) is a missense variant that results in the substitution of glycine with arginine. This variant is absent from population databases. Computational prediction algorithms are consistent with a benign effect. The currently available literature and clinical evidence are not sufficient to establish a definitive association between this variant and the reported condition. Therefore, this variant is classified as a variant of uncertain significance.

NM_005529.7(HSPG2):c.196G>A (p.Gly66Arg)

Gene: HSPG2 (heparan sulfate proteoglycan 2; minus strand). Cytogenetic location: 1p36.12.
Variant type: single nucleotide variant.
Coding change: c.196G>A on transcript NM_005529.7 (MANE Select); coding-DNA position 196, G replaced by A.
Protein change: p.Gly66Arg; replaces glycine 66 with arginine.
Molecular consequence: missense variant.
Genome position (GRCh38, 1-based): chr1:21,896,178, C>T on the plus strand (G>A on the coding strand, the complement: HSPG2 is on the minus strand). VCF-style: chr1-21896178-C-T. GRCh37 (hg19) VCF-style: chr1-22222671-C-T.
Other names: c.196G>A, p.Gly66Arg (NM_001291860.2); short protein forms G66R.
Identifiers: ClinVar variation 4881803 (VCV004881803.2).